The following is an entry in ClinVar:

NM_139027.6(ADAMTS13):c.1769C>T (p.Pro590Leu)

Gene: ADAMTS13 (ADAM metallopeptidase with thrombospondin type 1 motif 13; plus strand). Cytogenetic location: 9q34.2.
Variant type: single nucleotide variant.
Coding change: c.1769C>T on transcript NM_139027.6 (MANE Select); coding-DNA position 1769, C replaced by T.
Protein change: p.Pro590Leu; replaces proline 590 with leucine.
Molecular consequence: missense variant. On other transcripts: non-coding transcript variant (1).
Genome position (GRCh38, 1-based): chr9:133,439,429, C>T. VCF-style: chr9-133439429-C-T. GRCh37 (hg19) VCF-style: chr9-136304550-C-T.
Other names: c.1769C>T, p.Pro590Leu (NM_139025.5); c.1676C>T, p.Pro559Leu (NM_139026.6); short protein forms P590L, P559L.
Identifiers: ClinVar variation 2295429 (VCV002295429.6), dbSNP rs1554790056, ClinGen allele CA375394394.

ClinVar aggregate classification (germline): Uncertain significance. Review status: criteria provided, multiple submitters, no conflicts (2 of 4 stars). 4 submissions from 4 submitters: Uncertain significance (4). Last evaluated 2025-10-21.

Conditions:
Upshaw-Schulman syndrome (TTP). Also called: THROMBOTIC THROMBOCYTOPENIC PURPURA, HEREDITARY; Congenital thrombotic thrombocytopenic purpura. Identifiers: Orphanet 93583, MedGen C1268935, MONDO:0010122, OMIM 274150.
Inborn genetic diseases. Identifiers: MedGen C0950123, MeSH D030342.

Allele frequency attached by ClinVar (database versions not stated): gnomAD 0.00001; gnomAD exomes 0.00001; TOPMed 0.00001.
gnomAD v4.1: 8 of 1,613,936 alleles (0.0005%); highest among the groups gnomAD compares: African/African-American, 0.0013%; no homozygotes.

Submissions (4):

Labcorp Genetics (formerly Invitae), Labcorp
Classification: Uncertain significance. Last evaluated: 2025-10-21. Review status: criteria provided, single submitter. Criteria: Invitae Variant Classification Sherloc (09022015). Collection method: clinical testing. Allele origin: germline.
Comment: This sequence change replaces proline, which is neutral and non-polar, with leucine, which is neutral and non-polar, at codon 590 of the ADAMTS13 protein (p.Pro590Leu). This variant is present in population databases (no rsID available, gnomAD 0.0009%). This variant has not been reported in the literature in individuals affected with ADAMTS13-related conditions. ClinVar contains an entry for this variant (Variation ID: 2295429). Invitae Evidence Modeling of protein sequence and biophysical properties (such as structural, functional, and spatial information, amino acid conservation, physicochemical variation, residue mobility, and thermodynamic stability) indicates that this missense variant is expected to disrupt ADAMTS13 protein function with a positive predictive value of 80%. In summary, the available evidence is currently insufficient to determine the role of this variant in disease. Therefore, it has been classified as a Variant of Uncertain Significance.

Ambry Genetics
Classification: Uncertain significance for Inborn genetic diseases. Last evaluated: 2025-09-25. Review status: criteria provided, single submitter. Criteria: Ambry Variant Classification Scheme 2023. Collection method: clinical testing. Allele origin: germline.
Comment: The c.1769C>T (p.P590L) alteration is located in exon 15 (coding exon 15) of the ADAMTS13 gene. This alteration results from a C to T substitution at nucleotide position 1769, causing the proline (P) at amino acid position 590 to be replaced by a leucine (L). Based on data from gnomAD, the T allele has an overall frequency of <0.001% (1/251486) total alleles studied. The highest observed frequency was 0.001% (1/113762) of European (non-Finnish) alleles. Based on insufficient or conflicting evidence, the clinical significance of this alteration remains unclear.

Fulgent Genetics
Classification: Uncertain significance for Upshaw-Schulman syndrome. Last evaluated: 2024-06-04. Review status: criteria provided, single submitter. Criteria: ACMG Guidelines, 2015. Collection method: clinical testing. Allele origin: germline.

Women's Health and Genetics/Laboratory Corporation of America, LabCorp
Classification: Uncertain significance. Last evaluated: 2023-11-13. Review status: criteria provided, single submitter. Criteria: LabCorp Variant Classification Summary - May 2015. Collection method: clinical testing. Allele origin: germline.
Comment: Variant summary: ADAMTS13 c.1769C>T (p.Pro590Leu) results in a non-conservative amino acid change in the encoded protein sequence. Four of five in-silico tools predict a damaging effect of the variant on protein function. The variant allele was found at a frequency of 4e-06 in 251486 control chromosomes (gnomAD). The available data on variant occurrences in the general population are insufficient to allow any conclusion about variant significance. To our knowledge, no occurrence of c.1769C>T in individuals affected with Thrombotic Thrombocytopenic Purpura and no experimental evidence demonstrating its impact on protein function have been reported. One submitter has cited a clinical-significance assessment for this variant to ClinVar after 2014 and has classified the variant as uncertain significance. Based on the evidence outlined above, the variant was classified as uncertain significance.